The following is an entry in ClinVar:

ClinVar aggregate classification (germline): Uncertain significance (1 of 4 stars; one submission).

Allele frequency attached by ClinVar (database versions not stated): TOPMed below 0.00001; gnomAD 0.00001; gnomAD exomes 0.00001; ExAC 0.00002.
gnomAD v4.1: 15 of 1,612,794 alleles (0.00093%); highest among the groups gnomAD compares: South Asian, 0.0033%; no homozygotes.

Submission:

Labcorp Genetics (formerly Invitae), Labcorp
Classification: Uncertain significance. Last evaluated: 2025-10-01. Review status: criteria provided, single submitter. Criteria: Invitae Variant Classification Sherloc (09022015). Collection method: clinical testing. Allele origin: germline.
Comment: This sequence change replaces methionine, which is neutral and non-polar, with threonine, which is neutral and polar, at codon 419 of the MME protein (p.Met419Thr). This variant is present in population databases (rs200191547, gnomAD 0.006%). This variant has not been reported in the literature in individuals affected with MME-related conditions. ClinVar contains an entry for this variant (Variation ID: 1907983). Invitae Evidence Modeling of protein sequence and biophysical properties (such as structural, functional, and spatial information, amino acid conservation, physicochemical variation, residue mobility, and thermodynamic stability) indicates that this missense variant is expected to disrupt MME protein function with a positive predictive value of 80%. In summary, the available evidence is currently insufficient to determine the role of this variant in disease. Therefore, it has been classified as a Variant of Uncertain Significance.

NM_007289.4(MME):c.1256T>C (p.Met419Thr)

Gene: MME (membrane metalloendopeptidase; plus strand). Cytogenetic location: 3q25.2.
Variant type: single nucleotide variant.
Coding change: c.1256T>C on transcript NM_007289.4 (MANE Select); coding-DNA position 1256, T replaced by C.
Protein change: p.Met419Thr; replaces methionine 419 with threonine.
Molecular consequence: missense variant.
Genome position (GRCh38, 1-based): chr3:155,143,510, T>C. VCF-style: chr3-155143510-T-C. GRCh37 (hg19) VCF-style: chr3-154861299-T-C.
Other names: c.1256T>C, p.Met419Thr (NM_000902.5, NM_001354642.2, NM_001354643.1 and 2 more transcripts); short protein forms M419T.
Identifiers: ClinVar variation 1907983 (VCV001907983.5), dbSNP rs200191547, ClinGen allele CA2675440.